The following is an entry in ClinVar:

NM_000444.6(PHEX):c.457dup (p.Ala153fs)

Gene: PHEX (phosphate regulating endopeptidase X-linked; plus strand). Cytogenetic location: Xp22.11.
Variant type: Duplication.
Coding change: c.457dup on transcript NM_000444.6 (MANE Select); coding-DNA position 457, one base duplicated (G; older notation c.457dupG).
Protein change: p.Ala153fs; shifts the reading frame from alanine 153.
Molecular consequence: frameshift variant.
Genome position (GRCh38, 1-based): chrX:22,077,496, G duplicated. VCF-style (leftmost placement, unchanged base first): chrX-22077495-T-TG. GRCh37 (hg19) VCF-style: chrX-22095613-T-TG.
Other names: c.457dup, p.Ala153fs (NM_001282754.2); short protein forms A153fs.
Identifiers: ClinVar variation 843455 (VCV000843455.7), dbSNP rs1929202609, ClinGen allele CA916083868.
Genomic context (GRCh38, chrX:22,077,495, plus strand): 5'-TTTGCAATTCTAACTTTCTCTTCATATCTGCTCCCTTTCAGAAGCGATTGAAAAAGCAGA[T>TG]GCCAAGCCACTGCTACACATCCTACGGCATTCACCTTTCCGCTGGCCCGTGCTTGAATCT-3'

ClinVar aggregate classification (germline): Pathogenic (1 of 4 stars; one submission).

Submission:

Labcorp Genetics (formerly Invitae), Labcorp
Classification: Pathogenic. Last evaluated: 2019-05-29. Review status: criteria provided, single submitter. Criteria: Invitae Variant Classification Sherloc (09022015). Collection method: clinical testing. Allele origin: germline.
Comment: For these reasons, this variant has been classified as Pathogenic. Loss-of-function variants in PHEX are known to be pathogenic (PMID: 9097956, 9106524, 19219621). This variant has not been reported in the literature in individuals with PHEX-related conditions. This variant is not present in population databases (ExAC no frequency). This sequence change creates a premature translational stop signal (p.Ala153Glyfs*19) in the PHEX gene. It is expected to result in an absent or disrupted protein product.

Literature cited by the submitters: PubMed 9097956; PubMed 9106524; PubMed 19219621.